The following is an entry in ClinVar:

NM_020738.4(KIDINS220):c.3367A>G (p.Ser1123Gly)

Gene: KIDINS220 (kinase D interacting substrate 220; minus strand). Cytogenetic location: 2p25.1.
Variant type: single nucleotide variant.
Coding change: c.3367A>G on transcript NM_020738.4 (MANE Select); coding-DNA position 3367, A replaced by G.
Protein change: p.Ser1123Gly; replaces serine 1123 with glycine.
Molecular consequence: missense variant. On other transcripts: non-coding transcript variant (2).
Genome position (GRCh38, 1-based): chr2:8,750,159, T>C on the plus strand (A>G on the coding strand, the complement: KIDINS220 is on the minus strand). VCF-style: chr2-8750159-T-C. GRCh37 (hg19) VCF-style: chr2-8890289-T-C.
Other names: c.3370A>G, p.Ser1124Gly (NM_001348729.2, NM_001348731.2, NM_001348734.2 and 2 more transcripts); c.3367A>G, p.Ser1123Gly (NM_001348732.2, NM_001348735.2, NM_001348738.2 and 3 more transcripts); c.3241A>G, p.Ser1081Gly (NM_001348736.2); short protein forms S1081G, S1123G, S1124G.
Identifiers: ClinVar variation 2765323 (VCV002765323.3), dbSNP rs1667138400, ClinGen allele CA345771577.

ClinVar aggregate classification (germline): Uncertain significance (1 of 4 stars; one submission).

Allele frequency attached by ClinVar (database versions not stated): TOPMed below 0.00001.

Submission:

Labcorp Genetics (formerly Invitae), Labcorp
Classification: Uncertain significance. Last evaluated: 2024-09-30. Review status: criteria provided, single submitter. Criteria: Invitae Variant Classification Sherloc (09022015). Collection method: clinical testing. Allele origin: germline.
Comment: This sequence change replaces serine, which is neutral and polar, with glycine, which is neutral and non-polar, at codon 1123 of the KIDINS220 protein (p.Ser1123Gly). This variant is not present in population databases (gnomAD no frequency). This variant has not been reported in the literature in individuals affected with KIDINS220-related conditions. An algorithm developed to predict the effect of missense changes on protein structure and function (PolyPhen-2) suggests that this variant is likely to be disruptive. In summary, the available evidence is currently insufficient to determine the role of this variant in disease. Therefore, it has been classified as a Variant of Uncertain Significance.